The following is an entry in ClinVar:

NM_015476.4(TPGS2):c.810A>C (p.Ala270=)

Gene: TPGS2 (tubulin polyglutamylase complex subunit 2; minus strand). Cytogenetic location: 18q12.2.
Variant type: single nucleotide variant.
Coding change: c.810A>C on transcript NM_015476.4 (MANE Select); coding-DNA position 810, A replaced by C.
Protein change: p.Ala270=; no amino-acid change (alanine 270 retained).
Molecular consequence: synonymous variant. On other transcripts: intron variant (5).
Genome position (GRCh38, 1-based): chr18:36,796,898, T>G on the plus strand (A>C on the coding strand, the complement: TPGS2 is on the minus strand). VCF-style: chr18-36796898-T-G. GRCh37 (hg19) VCF-style: chr18-34376861-T-G.
Other names: c.657+1551A>C (NM_001271953.2, NM_001271956.2, NM_001330572.2 and 1 more transcripts); c.705A>C, p.Ala235= (NM_001271949.2); c.681A>C, p.Ala227= (NM_001271950.2); c.382+8476A>C (NM_001271955.2).
Identifiers: ClinVar variation 2648682 (VCV002648682.24), dbSNP rs151245757, ClinGen allele CA8942559.

ClinVar aggregate classification (germline): Likely benign (1 of 4 stars; one submission).

Allele frequency attached by ClinVar (database versions not stated): 1000 Genomes Project 0.00140; 1000 Genomes Project 30x 0.00172; ExAC 0.00181; gnomAD 0.00182; TOPMed 0.00190; ESP Exome Variant Server 0.00231; gnomAD exomes 0.00379.
gnomAD v4.1: 5,824 of 1,611,634 alleles (0.36%); highest among the groups gnomAD compares: Non-Finnish European, 0.46%; 22 homozygotes.

Submission:

CeGaT Center for Human Genetics Tuebingen
Classification: Likely benign. Last evaluated: 2023-02-01. Review status: criteria provided, single submitter. Criteria: CeGaT Center For Human Genetics Tuebingen Variant Classification Criteria Version 2. Collection method: clinical testing. Allele origin: germline. Affected: yes. Observed: 1 variant allele.
Comment: TPGS2: BP4, BP7, BS2